The following is an entry in ClinVar:

NM_001379200.1(TBX1):c.1117del (p.Leu373fs)

Gene: TBX1 (T-box transcription factor 1; plus strand). Cytogenetic location: 22q11.21.
Variant type: Deletion.
Coding change: c.1117del on transcript NM_001379200.1 (MANE Select); coding-DNA position 1117, one base deleted (C; older notation c.1117delC).
Protein change: p.Leu373fs; shifts the reading frame from leucine 373.
Molecular consequence: frameshift variant. On other transcripts: intron variant (2).
Genome position (GRCh38, 1-based): chr22:19,766,469, C deleted. VCF-style (leftmost placement, unchanged base first): chr22-19766468-GC-G. GRCh37 (hg19) VCF-style: chr22-19753991-GC-G.
Other names: c.1090del, p.Leu364fs (NM_080647.1); c.1009+467del (NM_005992.1, NM_080646.2); short protein forms L364fs, L373fs.
Identifiers: ClinVar variation 1071222 (VCV001071222.9), dbSNP rs2145838229, ClinGen allele CA2499226017.
Genomic context (GRCh38, chr22:19,766,468, plus strand): 5'-AGAATTCCAGCGCGACGCGGGCGGGCCAGCAGTGCTCGGGGACCCGGCGCATCCTCCGCA[GC>G]TGCTGGCCCGGGTGCTAAGCCCCTCGCTGCCCGGGGCCGGCGGCGCCGGCGGCTTAGTCC-3'

ClinVar aggregate classification (germline): Pathogenic (1 of 4 stars; one submission).

Conditions:
DiGeorge syndrome. Also called: THIRD AND FOURTH PHARYNGEAL POUCH SYNDROME; Catch22. Identifiers: Orphanet 567, MedGen C0012236, MONDO:0008564, OMIM 188400.

Submission:

Labcorp Genetics (formerly Invitae), Labcorp
Classification: Pathogenic for DiGeorge syndrome. Last evaluated: 2020-03-05. Review status: criteria provided, single submitter. Criteria: Invitae Variant Classification Sherloc (09022015). Collection method: clinical testing. Allele origin: germline.
Comment: This sequence change results in a premature translational stop signal in the TBX1 gene (p.Leu364Cysfs*6). While this is not anticipated to result in nonsense mediated decay, it is expected to disrupt the last 132 amino acids of the TBX1 protein. The frequency data for this variant in the population databases is considered unreliable, as metrics indicate insufficient coverage at this position in the ExAC database. This variant has not been reported in the literature in individuals with TBX1-related conditions. Algorithms developed to predict the effect of sequence changes on RNA splicing suggest that this variant may create or strengthen a splice site, but this prediction has not been confirmed by published transcriptional studies. This variant disrupts the C-terminus of the TBX1 protein. Other variant(s) that disrupt this region (p.Ser408Trpfs*52) have been determined to be pathogenic (PMID: 14585638, 15703190). This suggests that variants that disrupt this region of the protein are likely to be causative of disease. For these reasons, this variant has been classified as Pathogenic.

Literature cited by the submitters: PubMed 14585638; PubMed 15703190.